The following is an entry in ClinVar:

NM_020800.3(IFT80):c.2086T>C (p.Tyr696His)

Genes: IFT80 (intraflagellar transport 80; minus strand), TRIM59-IFT80 (TRIM59-IFT80 readthrough (NMD candidate); minus strand). Cytogenetic location: 3q25.33.
Variant type: single nucleotide variant.
Coding change: c.2086T>C on transcript NM_020800.3 (MANE Select); coding-DNA position 2086, T replaced by C.
Protein change: p.Tyr696His; replaces tyrosine 696 with histidine.
Molecular consequence: missense variant. On other transcripts: non-coding transcript variant (3).
Genome position (GRCh38, 1-based): chr3:160,277,319, A>G on the plus strand (T>C on the coding strand, the complement: IFT80 is on the minus strand). VCF-style: chr3-160277319-A-G. GRCh37 (hg19) VCF-style: chr3-159995107-A-G.
Other names: c.1675T>C, p.Tyr559His (NM_001190241.2, NM_001190242.2); short protein forms Y559H, Y696H.
Identifiers: ClinVar variation 2009948 (VCV002009948.4), dbSNP rs2473099394, ClinGen allele CA355190144.

ClinVar aggregate classification (germline): Uncertain significance (1 of 4 stars; one submission).

Conditions:
Jeune thoracic dystrophy. Also called: Short-rib thoracic dysplasia; Jeune syndrome; Infantile thoracic dystrophy; Thoracic pelvic phalangeal dystrophy; Jeune's syndrome; Chondroectodermal dysplasia-like syndrome. Identifiers: Orphanet 474, MedGen C0265275, MONDO:0018770.

Submission:

Labcorp Genetics (formerly Invitae), Labcorp
Classification: Uncertain significance for Jeune thoracic dystrophy. Last evaluated: 2022-06-23. Review status: criteria provided, single submitter. Criteria: Invitae Variant Classification Sherloc (09022015). Collection method: clinical testing. Allele origin: germline.
Comment: Algorithms developed to predict the effect of missense changes on protein structure and function (SIFT, PolyPhen-2, Align-GVGD) all suggest that this variant is likely to be tolerated. This variant has not been reported in the literature in individuals affected with IFT80-related conditions. This variant is not present in population databases (gnomAD no frequency). This sequence change replaces tyrosine, which is neutral and polar, with histidine, which is basic and polar, at codon 696 of the IFT80 protein (p.Tyr696His). In summary, the available evidence is currently insufficient to determine the role of this variant in disease. Therefore, it has been classified as a Variant of Uncertain Significance.